The following is an entry in ClinVar:

ClinVar aggregate classification (germline): Uncertain significance (1 of 4 stars; one submission).

gnomAD v4.1: 5 of 1,613,688 alleles (0.00031%); highest among the groups gnomAD compares: Middle Eastern, 0.016%; no homozygotes.

Submission:

Labcorp Genetics (formerly Invitae), Labcorp
Classification: Uncertain significance. Last evaluated: 2024-07-11. Review status: criteria provided, single submitter. Criteria: Invitae Variant Classification Sherloc (09022015). Collection method: clinical testing. Allele origin: germline.
Comment: This sequence change replaces arginine, which is basic and polar, with cysteine, which is neutral and slightly polar, at codon 553 of the LRP6 protein (p.Arg553Cys). This variant is present in population databases (rs751598694, gnomAD 0.0009%). This variant has not been reported in the literature in individuals affected with LRP6-related conditions. Advanced modeling of protein sequence and biophysical properties (such as structural, functional, and spatial information, amino acid conservation, physicochemical variation, residue mobility, and thermodynamic stability) performed at Invitae indicates that this missense variant is expected to disrupt LRP6 protein function with a positive predictive value of 80%. In summary, the available evidence is currently insufficient to determine the role of this variant in disease. Therefore, it has been classified as a Variant of Uncertain Significance.

NM_002336.3(LRP6):c.1657C>T (p.Arg553Cys)

Gene: LRP6 (LDL receptor related protein 6; minus strand). Cytogenetic location: 12p13.2.
Variant type: single nucleotide variant.
Coding change: c.1657C>T on transcript NM_002336.3 (MANE Select); coding-DNA position 1657, C replaced by T.
Protein change: p.Arg553Cys; replaces arginine 553 with cysteine.
Molecular consequence: missense variant. On other transcripts: non-coding transcript variant (1), intron variant (1).
Genome position (GRCh38, 1-based): chr12:12,165,184, G>A on the plus strand (C>T on the coding strand, the complement: LRP6 is on the minus strand). VCF-style: chr12-12165184-G-A. GRCh37 (hg19) VCF-style: chr12-12318118-G-A.
Other names: c.1657C>T, p.Arg553Cys (NM_001414244.1, NM_001414245.1, NM_001414246.1 and 4 more transcripts); c.1459C>T, p.Arg487Cys (NM_001414247.1); c.1204C>T, p.Arg402Cys (NM_001414252.1, NM_001414253.1, NM_001414254.1); c.1546-2765C>T (NM_001414255.1); short protein forms R402C, R487C, R553C.
Identifiers: ClinVar variation 3621393 (VCV003621393.2).